The following is an entry in ClinVar:

NM_001127178.3(PIGG):c.2069+1G>C

Gene: PIGG (phosphatidylinositol glycan anchor biosynthesis class G (EMM blood group); plus strand). Cytogenetic location: 4p16.3.
Variant type: single nucleotide variant.
Coding change: c.2069+1G>C on transcript NM_001127178.3 (MANE Select); the canonical splice donor site of the intron after coding-DNA position 2069, G replaced by C.
Molecular consequence: splice donor variant.
Genome position (GRCh38, 1-based): chr4:523,914, G>C. VCF-style: chr4-523914-G-C. GRCh37 (hg19) VCF-style: chr4-517703-G-C.
Other names: c.971+1G>C (NM_001345994.2); c.1802+1G>C (NM_001345986.2, NM_001289051.2); c.1778+1G>C (NM_001345987.2); c.536+1G>C (NM_001345991.2, NM_001345990.2); c.1040+1G>C (NM_001345988.2); c.2045+1G>C (NM_017733.5); c.1670+1G>C (NM_001289052.2).
Identifiers: ClinVar variation 1468818 (VCV001468818.8), dbSNP rs2108969826, ClinGen allele CA355908072.

ClinVar aggregate classification (germline): Likely pathogenic (1 of 4 stars; one submission).

Conditions:
Intellectual disability, autosomal recessive 53 (NEDHSCA). Also called: GLYCOSYLPHOSPHATIDYLINOSITOL BIOSYNTHESIS DEFECT 13; Mental retardation, autosomal recessive 53; NEURODEVELOPMENTAL DISORDER WITH OR WITHOUT HYPOTONIA, SEIZURES, AND CEREBELLAR ATROPHY. Identifiers: Orphanet 488635, MedGen C4310794, MONDO:0014832, OMIM 616917.

Submission:

Labcorp Genetics (formerly Invitae), Labcorp
Classification: Likely pathogenic for Intellectual disability, autosomal recessive 53. Last evaluated: 2024-10-28. Review status: criteria provided, single submitter. Criteria: Invitae Variant Classification Sherloc (09022015). Collection method: clinical testing. Allele origin: germline.
Comment: This sequence change affects a donor splice site in intron 9 of the PIGG gene. It is expected to disrupt RNA splicing. Variants that disrupt the donor or acceptor splice site typically lead to a loss of protein function (PMID: 16199547), and loss-of-function variants in PIGG are known to be pathogenic (PMID: 26996948, 28581210, 28771251). This variant is not present in population databases (gnomAD no frequency). This variant has not been reported in the literature in individuals affected with PIGG-related conditions. ClinVar contains an entry for this variant (Variation ID: 1468818). Algorithms developed to predict the effect of sequence changes on RNA splicing suggest that this variant may disrupt the consensus splice site. In summary, the currently available evidence indicates that the variant is pathogenic, but additional data are needed to prove that conclusively. Therefore, this variant has been classified as Likely Pathogenic.

Literature cited by the submitters: PubMed 16199547; PubMed 26996948; PubMed 28581210; PubMed 28771251.